The following is an entry in ClinVar:

ClinVar aggregate classification (germline): Conflicting classifications of pathogenicity. Review status: criteria provided, conflicting classifications (1 of 4 stars). 2 submissions from 2 submitters: Uncertain significance (1); Likely benign (1). Last evaluated 2025-08-02.

Conditions:
Primary ciliary dyskinesia 28. Also called: CILIARY DYSKINESIA, PRIMARY, 28, WITH OR WITHOUT SITUS INVERSUS. Identifiers: Orphanet 244, MedGen C3809706, MONDO:0014216, OMIM 615505.
Primary ciliary dyskinesia. Also called: Ciliary dyskinesia. Identifiers: Orphanet 244, MedGen C0008780, MONDO:0016575, HP:0012265.

Allele frequency attached by ClinVar (database versions not stated): gnomAD 0.00001; gnomAD exomes 0.00001 and 0.00004; TOPMed 0.00001; ExAC 0.00003.
gnomAD v4.1: 53 of 1,550,148 alleles (0.0034%); highest among the groups gnomAD compares: Non-Finnish European, 0.0043%; no homozygotes.

Submissions (2):

Ambry Genetics
Classification: Likely benign for Primary ciliary dyskinesia. Last evaluated: 2025-08-02. Review status: criteria provided, single submitter. Criteria: Ambry Variant Classification Scheme 2023. Collection method: clinical testing. Allele origin: germline.

Labcorp Genetics (formerly Invitae), Labcorp
Classification: Uncertain significance for Primary ciliary dyskinesia 28. Last evaluated: 2020-02-17. Review status: criteria provided, single submitter. Criteria: Invitae Variant Classification Sherloc (09022015). Collection method: clinical testing. Allele origin: germline.
Comment: In summary, the available evidence is currently insufficient to determine the role of this variant in disease. Therefore, it has been classified as a Variant of Uncertain Significance. Algorithms developed to predict the effect of missense changes on protein structure and function output the following: SIFT: "Tolerated"; PolyPhen-2: "Benign"; Align-GVGD: "Class C0". The valine amino acid residue is found in multiple mammalian species, suggesting that this missense change does not adversely affect protein function. These predictions have not been confirmed by published functional studies and their clinical significance is uncertain. This variant has not been reported in the literature in individuals with SPAG1-related conditions. This variant is present in population databases (rs751142825, ExAC 0.005%). This sequence change replaces isoleucine with valine at codon 183 of the SPAG1 protein (p.Ile183Val). The isoleucine residue is weakly conserved and there is a small physicochemical difference between isoleucine and valine.

NM_003114.5(SPAG1):c.547A>G (p.Ile183Val)

Gene: SPAG1 (sperm associated antigen 1; plus strand). Cytogenetic location: 8q22.2.
Variant type: single nucleotide variant.
Coding change: c.547A>G on transcript NM_003114.5 (MANE Select); coding-DNA position 547, A replaced by G.
Protein change: p.Ile183Val; replaces isoleucine 183 with valine.
Molecular consequence: missense variant.
Genome position (GRCh38, 1-based): chr8:100,184,014, A>G. VCF-style: chr8-100184014-A-G. GRCh37 (hg19) VCF-style: chr8-101196242-A-G.
Other names: c.547A>G, p.Ile183Val (NM_001374321.1, NM_172218.3); c.547A>G (NM_172218.2); short protein forms I183V.
Identifiers: ClinVar variation 1000678 (VCV001000678.8), dbSNP rs751142825, ClinGen allele CA4827292.